The following is an entry in ClinVar:

ClinVar aggregate classification (germline): Uncertain significance (1 of 4 stars; one submission).

gnomAD v4.1: 5 of 1,609,038 alleles (0.00031%); highest among the groups gnomAD compares: Non-Finnish European, 0.00042%; no homozygotes.

Submission:

GeneDx
Classification: Uncertain significance. Last evaluated: 2022-09-26. Review status: criteria provided, single submitter. Criteria: GeneDx Variant Classification Process June 2021. Collection method: clinical testing. Allele origin: germline. Affected: yes.
Comment: Not observed at significant frequency in large population cohorts (gnomAD); In silico analysis supports that this missense variant does not alter protein structure/function; Has not been previously published as pathogenic or benign to our knowledge

NM_001113491.2(SEPTIN9):c.562G>T (p.Val188Leu)

Gene: SEPTIN9 (septin 9; plus strand). Cytogenetic location: 17q25.3.
Variant type: single nucleotide variant.
Coding change: c.562G>T on transcript NM_001113491.2 (MANE Select); coding-DNA position 562, G replaced by T.
Protein change: p.Val188Leu; replaces valine 188 with leucine.
Molecular consequence: missense variant.
Genome position (GRCh38, 1-based): chr17:77,402,544, G>T. VCF-style: chr17-77402544-G-T. GRCh37 (hg19) VCF-style: chr17-75398626-G-T.
Other names: c.70G>T, p.Val24Leu (NM_001113492.2, NM_001113494.1); c.541G>T, p.Val181Leu (NM_001113493.2); c.505G>T, p.Val169Leu (NM_001293695.2); c.508G>T, p.Val170Leu (NM_006640.5); short protein forms V169L, V170L, V181L, V188L, V24L.
Identifiers: ClinVar variation 2446312 (VCV002446312.1), dbSNP rs1010086399, ClinGen allele CA294282924.
Genomic context (GRCh38, chr17:77,402,544, plus strand): 5'-CCTGCCTCCAAGGTCCCCGAGGTGCCCACTGCCCCTGCCACCGACGCAGCCCCCAAGAGG[G>T]TGGAGATCCAGATGCCCAAGCCTGCTGAGGCGCCCACCGCCCCCAGCCCAGCCCAGACCT-3'
Protein context (NP_001106963.1, residues 178-198): APATDAAPKR[Val188Leu]EIQMPKPAEA